The following is an entry in ClinVar:

NM_004082.5(DCTN1):c.1499A>G (p.Gln500Arg)

Gene: DCTN1 (dynactin subunit 1; minus strand). Cytogenetic location: 2p13.1.
Variant type: single nucleotide variant.
Coding change: c.1499A>G on transcript NM_004082.5 (MANE Select); coding-DNA position 1499, A replaced by G.
Protein change: p.Gln500Arg; replaces glutamine 500 with arginine.
Molecular consequence: missense variant. On other transcripts: non-coding transcript variant (1).
Genome position (GRCh38, 1-based): chr2:74,369,385, T>C on the plus strand (A>G on the coding strand, the complement: DCTN1 is on the minus strand). VCF-style: chr2-74369385-T-C. GRCh37 (hg19) VCF-style: chr2-74596512-T-C.
Other names: c.1439A>G, p.Gln480Arg (NM_001135040.3); c.1097A>G, p.Gln366Arg (NM_001135041.3, NM_023019.4); c.1388A>G, p.Gln463Arg (NM_001190836.2); c.1478A>G, p.Gln493Arg (NM_001190837.2); c.1448A>G, p.Gln483Arg (NM_001378991.1); c.1430A>G, p.Gln477Arg (NM_001378992.1); short protein forms Q483R, Q493R, Q366R, Q463R, Q480R, Q477R, Q500R.
Identifiers: ClinVar variation 2044395 (VCV002044395.4), dbSNP rs2529145532, ClinGen allele CA347358264.

ClinVar aggregate classification (germline): Uncertain significance (1 of 4 stars; one submission).

Conditions:
Perry syndrome. Also called: PARKINSONISM WITH ALVEOLAR HYPOVENTILATION AND MENTAL DEPRESSION. Identifiers: Orphanet 178509, MedGen C1868594, MONDO:0008201, OMIM 168605.
Neuronopathy, distal hereditary motor, type 7B. Also called: HMN VIIB; LOWER MOTOR NEURON DISEASE, DYNACTIN TYPE; NEURONOPATHY, DISTAL HEREDITARY MOTOR, AUTOSOMAL DOMINANT 14; NEURONOPATHY, DISTAL HEREDITARY MOTOR, HARDING TYPE VIIB; NEUROPATHY, DISTAL HEREDITARY MOTOR, HARDING TYPE VIIB; NEUROPATHY, DISTAL HEREDITARY MOTOR, WITH VOCAL CORD PARALYSIS, HARDING TYPE VIIB. Identifiers: Orphanet 139589, MedGen C1843315, MONDO:0011879, OMIM 607641.
Amyotrophic lateral sclerosis type 1 (ALS1). Also called: AMYOTROPHIC LATERAL SCLEROSIS 1, FAMILIAL. Identifiers: Orphanet 803, MedGen C1862939, MONDO:0007103, OMIM 105400.

Allele frequency attached by ClinVar (database versions not stated): gnomAD exomes below 0.00001.
gnomAD v4.1: 2 of 1,614,222 alleles (0.00012%); highest among the groups gnomAD compares: Admixed American, 0.0033%; no homozygotes.

Submission:

Labcorp Genetics (formerly Invitae), Labcorp
Classification: Uncertain significance for Amyotrophic lateral sclerosis type 1; Neuronopathy, distal hereditary motor, type 7B; Perry syndrome. Last evaluated: 2025-03-10. Review status: criteria provided, single submitter. Criteria: Invitae Variant Classification Sherloc (09022015). Collection method: clinical testing. Allele origin: germline.
Comment: This sequence change replaces glutamine, which is neutral and polar, with arginine, which is basic and polar, at codon 500 of the DCTN1 protein (p.Gln500Arg). This variant is not present in population databases (gnomAD no frequency). This variant has not been reported in the literature in individuals affected with DCTN1-related conditions. ClinVar contains an entry for this variant (Variation ID: 2044395). Invitae Evidence Modeling of protein sequence and biophysical properties (such as structural, functional, and spatial information, amino acid conservation, physicochemical variation, residue mobility, and thermodynamic stability) indicates that this missense variant is not expected to disrupt DCTN1 protein function with a negative predictive value of 95%. In summary, the available evidence is currently insufficient to determine the role of this variant in disease. Therefore, it has been classified as a Variant of Uncertain Significance.